The following is an entry in ClinVar:

ClinVar aggregate classification (germline): Uncertain significance. Review status: criteria provided, multiple submitters, no conflicts (2 of 4 stars). 2 submissions from 2 submitters: Uncertain significance (2). Last evaluated 2025-08-16.

Allele frequency attached by ClinVar (database versions not stated): TOPMed below 0.00001; gnomAD 0.00001; ExAC 0.00002.

Submissions (2):

Labcorp Genetics (formerly Invitae), Labcorp
Classification: Uncertain significance. Last evaluated: 2025-08-16. Review status: criteria provided, single submitter. Criteria: Invitae Variant Classification Sherloc (09022015). Collection method: clinical testing. Allele origin: germline.
Comment: This sequence change replaces proline, which is neutral and non-polar, with serine, which is neutral and polar, at codon 211 of the TWNK protein (p.Pro211Ser). This variant is present in population databases (rs766599320, gnomAD 0.02%). This variant has not been reported in the literature in individuals affected with TWNK-related conditions. ClinVar contains an entry for this variant (Variation ID: 2690403). Invitae Evidence Modeling of protein sequence and biophysical properties (such as structural, functional, and spatial information, amino acid conservation, physicochemical variation, residue mobility, and thermodynamic stability) indicates that this missense variant is not expected to disrupt TWNK protein function with a negative predictive value of 80%. In summary, the available evidence is currently insufficient to determine the role of this variant in disease. Therefore, it has been classified as a Variant of Uncertain Significance.

Revvity Omics, Revvity
Classification: Uncertain significance. Last evaluated: 2023-06-27. Review status: criteria provided, single submitter. Criteria: ACMG Guidelines, 2015. Collection method: clinical testing. Allele origin: germline.

NM_021830.5(TWNK):c.631C>T (p.Pro211Ser)

Gene: TWNK (twinkle mtDNA helicase; plus strand). Cytogenetic location: 10q24.31.
Variant type: single nucleotide variant.
Coding change: c.631C>T on transcript NM_021830.5 (MANE Select); coding-DNA position 631, C replaced by T.
Protein change: p.Pro211Ser; replaces proline 211 with serine.
Molecular consequence: missense variant. On other transcripts: non-coding transcript variant (4), intron variant (3).
Genome position (GRCh38, 1-based): chr10:100,988,841, C>T. VCF-style: chr10-100988841-C-T. GRCh37 (hg19) VCF-style: chr10-102748598-C-T.
Other names: c.631C>T, p.Pro211Ser (NM_001163812.2); c.-119-803C>T (NM_001163814.2, NM_001163813.2); c.-57-865C>T (NM_001368275.1); short protein forms P211S.
Identifiers: ClinVar variation 2690403 (VCV002690403.3), dbSNP rs766599320, ClinGen allele CA5653096.